The following is an entry in ClinVar:

NM_000168.6(GLI3):c.4413del (p.Thr1472fs)

Gene: GLI3 (GLI family zinc finger 3; minus strand). Cytogenetic location: 7p14.1.
Variant type: Deletion.
Coding change: c.4413del on transcript NM_000168.6 (MANE Select); coding-DNA position 4413, one base deleted (G; older notation c.4413delG).
Protein change: p.Thr1472fs; shifts the reading frame from threonine 1472.
Molecular consequence: frameshift variant.
Genome position (GRCh38, 1-based): chr7:41,964,660, C deleted on the plus strand (G on the coding strand, the reverse complement: GLI3 is on the minus strand); the first of 4 consecutive C bases (chr7:41,964,660-41,964,663); deleting any one gives the same sequence. VCF-style (leftmost placement, unchanged base first): chr7-41964659-TC-T. GRCh37 (hg19) VCF-style: chr7-42004257-TC-T.
Other names: short protein forms T1472fs.
Identifiers: ClinVar variation 1350813 (VCV001350813.8), dbSNP rs2128704887, ClinGen allele CA2573142117.
Genomic context (GRCh38, chr7:41,964,659, plus strand): 5'-CCACTGTGCTTGTCACCTGATTAGCACCTGGGGAAAGTAACTCAGAGTTTTTGGCGCTGG[TC>T]CCCTGTAGCAGGCAGCTGGCGTCTGAAATAGAGAATGAACCAGCTTTCGTGTCTTGCTGA-3'

ClinVar aggregate classification (germline): Pathogenic (1 of 4 stars; one submission).

Conditions:
Pallister-Hall syndrome (PHS). Also called: GLI3-Related Pallister-Hall Syndrome; HYPOTHALAMIC HAMARTOBLASTOMA, HYPOPITUITARISM, IMPERFORATE ANUS, AND POSTAXIAL POLYDACTYLY. Identifiers: Orphanet 672, MedGen C0265220, MONDO:0007804, OMIM 146510.
Greig cephalopolysyndactyly syndrome (GCPS). Also called: POLYSYNDACTYLY WITH PECULIAR SKULL SHAPE; Greig syndrome; GLI3-Related Greig Cephalopolysyndactyly Syndrome. Identifiers: Orphanet 380, MedGen C0265306, MONDO:0008287, OMIM 175700.

Submission:

Labcorp Genetics (formerly Invitae), Labcorp
Classification: Pathogenic for Pallister-Hall syndrome; Greig cephalopolysyndactyly syndrome. Last evaluated: 2021-03-10. Review status: criteria provided, single submitter. Criteria: Invitae Variant Classification Sherloc (09022015). Collection method: clinical testing. Allele origin: germline.
Comment: This sequence change creates a premature translational stop signal (p.Thr1472Profs*16) in the GLI3 gene. While this is not anticipated to result in nonsense mediated decay, it is expected to disrupt the last 109 amino acid(s) of the GLI3 protein. This variant is not present in population databases (ExAC no frequency). This variant has not been reported in the literature in individuals with GLI3-related conditions. This variant disrupts the C-terminus of the GLI3 protein. Other variant(s) that disrupt this region (p.Thr1488Lysfs*23) have been determined to be pathogenic (PMID: 24736735). This suggests that variants that disrupt this region of the protein are likely to be causative of disease. For these reasons, this variant has been classified as Pathogenic.

Literature cited by the submitters: PubMed 24736735.